The following is an entry in ClinVar:

NM_000500.7(CYP21A2):c.-73C>T

Genes: CYP21A2 (cytochrome P450 family 21 subfamily A member 2; plus strand), LOC106780800 (CYP21A2 recombination region; plus strand), LOC110631417 (CYP21A2 5' regulatory region; plus strand). Cytogenetic location: 6p21.33.
Variant type: single nucleotide variant.
Coding change: c.-73C>T on transcript NM_000500.7; 73 bases upstream of the start codon, C replaced by T.
Genome position (GRCh38, 1-based): chr6:32,038,350, C>T. VCF-style: chr6-32038350-C-T. GRCh37 (hg19) VCF-style: chr6-32006127-C-T.
Identifiers: ClinVar variation 2632027 (VCV002632027.2), dbSNP rs186349245, ClinGen allele CA136893193.

ClinVar aggregate classification (germline): Uncertain significance (1 of 4 stars; one submission).

Conditions:
CYP21A2-related disorder. Also called: CYP21A2-related condition.

Allele frequency attached by ClinVar (database versions not stated): gnomAD 0.00054; TOPMed 0.00064; 1000 Genomes Project 30x 0.00141; gnomAD exomes 0.00064; 1000 Genomes Project 0.00180.

Submission:

PreventionGenetics, part of Exact Sciences
Classification: Uncertain significance for CYP21A2-related condition. Last evaluated: 2025-08-20. Review status: criteria provided, single submitter. Criteria: ACMG Guidelines, 2015. Collection method: clinical testing. Allele origin: germline.
Comment: The CYP21A2 c.-73C>T variant is located in the 5' untranslated region. This variant has been reported in an individual with polycystic ovary syndrome (Polat et al. 2019. PubMed ID: 30811025). This variant is reported in 0.12% of alleles in individuals of Latino descent in gnomAD (v2.1.1) with one homozygote in total. However, this minor allele frequency may not be an accurate estimate because this variant is located within a highly homologous sequence region (Mandelker et al. 2016. PubMed ID: 27228465). Allele frequency data should be interpreted with caution. Of note, promoter variants in CYP21A2 have been reported to reduce transcriptional activities and therefore possibly associated to milder disease expressivity (Zhang et al. 2009. PubMed ID: 18702679; Araújo et al. 2007. PubMed ID: 17666484). Although we suspect that this variant may be benign, at this time, the clinical significance of this variant is uncertain due to the absence of conclusive functional and genetic evidence.